The following is an entry in ClinVar:

ClinVar aggregate classification (germline): Benign (1 of 4 stars; one submission).

Conditions:
Pheochromocytoma/paraganglioma syndrome 4. Also called: CAROTID BODY TUMORS AND MULTIPLE EXTRAADRENAL PHEOCHROMOCYTOMAS; PARAGANGLIOMA, FAMILIAL MALIGNANT; PARAGANGLIOMAS, HEREDITARY EXTRAADRENAL; PHEOCHROMOCYTOMA, FAMILIAL EXTRAADRENAL; Paragangliomas 4; SDHB-Related Hereditary Paraganglioma-Pheochromocytoma Syndrome (Paragangliomas 4). Identifiers: Orphanet 29072, MedGen C1861848, MONDO:0007273, OMIM 115310.

Submission:

Myriad Genetics, Inc.
Classification: Benign for Pheochromocytoma/paraganglioma syndrome 4. Last evaluated: 2025-03-11. Review status: criteria provided, single submitter. Criteria: Myriad Autosomal Dominant, Autosomal Recessive and X-Linked Classification Criteria (2023). Collection method: clinical testing. Allele origin: unknown.
Comment: This variant is considered benign. This variant is a silent/synonymous amino acid change and it is not expected to impact splicing.

NM_003000.3(SDHB):c.15_18delinsAGCA (p.Val5_Ala6=)

Gene: SDHB (succinate dehydrogenase complex iron sulfur subunit B; minus strand). Cytogenetic location: 1p36.13.
Variant type: Indel.
Coding change: c.15_18delinsAGCA on transcript NM_003000.3 (MANE Select); coding-DNA positions 15 to 18, CGCC replaced by AGCA.
Protein change: p.Val5_Ala6=.
Molecular consequence: synonymous variant.
Genome position (GRCh38, 1-based): chr1:17,054,002-17,054,005, GGCG replaced by TGCT on the plus strand (CGCC replaced by AGCA on the coding strand, the reverse complement: SDHB is on the minus strand). VCF-style: chr1-17054002-GGCG-TGCT. GRCh37 (hg19) VCF-style: chr1-17380497-GGCG-TGCT.
Other names: c.15_18delinsAGCA, p.Val5_Ala6= (NM_001407361.1).
Identifiers: ClinVar variation 3904380 (VCV003904380.1).